The following is an entry in ClinVar:

ClinVar aggregate classification (germline): Uncertain significance (1 of 4 stars; one submission).

gnomAD v4.1: 1 of 1,570,962 alleles (0.000064%); highest among the groups gnomAD compares: Non-Finnish European, 0.000086%; no homozygotes.

Submission:

GeneDx
Classification: Uncertain significance. Last evaluated: 2023-04-18. Review status: criteria provided, single submitter. Criteria: GeneDx Variant Classification Process June 2021. Collection method: clinical testing. Allele origin: germline. Affected: yes.
Comment: Not observed at significant frequency in large population cohorts (gnomAD); In silico analysis supports that this missense variant has a deleterious effect on protein structure/function; Has not been previously published as pathogenic or benign to our knowledge

NM_197968.4(ZMYM2):c.1303C>G (p.Arg435Gly)

Gene: ZMYM2 (zinc finger MYM-type containing 2; plus strand). Cytogenetic location: 13q12.11.
Variant type: single nucleotide variant.
Coding change: c.1303C>G on transcript NM_197968.4 (MANE Select); coding-DNA position 1303, C replaced by G.
Protein change: p.Arg435Gly; replaces arginine 435 with glycine.
Molecular consequence: missense variant. On other transcripts: non-coding transcript variant (1).
Genome position (GRCh38, 1-based): chr13:20,006,377, C>G. VCF-style: chr13-20006377-C-G. GRCh37 (hg19) VCF-style: chr13-20580517-C-G.
Other names: c.1303C>G, p.Arg435Gly (NM_001190964.4, NM_001190965.4, NM_001353157.2 and 5 more transcripts); c.1108C>G, p.Arg370Gly (NM_001353161.3); c.1042C>G, p.Arg348Gly (NM_001353163.2); short protein forms R348G, R370G, R435G.
Identifiers: ClinVar variation 2663008 (VCV002663008.1), dbSNP rs1196960914, ClinGen allele CA387670514.